The following is an entry in ClinVar:

NM_000278.5(PAX2):c.220G>A (p.Glu74Lys)

Gene: PAX2 (paired box 2; plus strand). Cytogenetic location: 10q24.31.
Variant type: single nucleotide variant.
Coding change: c.220G>A on transcript NM_000278.5 (MANE Select); coding-DNA position 220, G replaced by A.
Protein change: p.Glu74Lys; replaces glutamic acid 74 with lysine.
Molecular consequence: missense variant.
Genome position (GRCh38, 1-based): chr10:100,750,701, G>A. VCF-style: chr10-100750701-G-A. GRCh37 (hg19) VCF-style: chr10-102510458-G-A.
Other names: c.313G>A, p.Glu105Lys (NM_001304569.2); c.220G>A, p.Glu74Lys (NM_003987.5, NM_003988.5, NM_003989.5 and 1 more transcripts); short protein forms E105K, E74K.
Identifiers: ClinVar variation 1469446 (VCV001469446.7), dbSNP rs754146050, ClinGen allele CA5650688.

ClinVar aggregate classification (germline): Uncertain significance. Review status: criteria provided, multiple submitters, no conflicts (2 of 4 stars). 2 submissions from 2 submitters: Uncertain significance (2). Last evaluated 2022-09-29.

Conditions:
Focal segmental glomerulosclerosis 7 (FSGS7). Identifiers: Orphanet 656, MedGen C4014925, MONDO:0014451, OMIM 616002.
Renal coloboma syndrome (PAPRS). Also called: OPTIC COLOBOMA, VESICOURETERAL REFLUX, AND RENAL ANOMALIES; OPTIC NERVE COLOBOMA WITH RENAL DISEASE; RENAL-COLOBOMA SYNDROME WITH MACULAR ABNORMALITIES; COLOBOMA OF OPTIC NERVE WITH RENAL DISEASE; CONGENITAL ANOMALIES OF THE KIDNEY AND URINARY TRACT WITH OR WITHOUT OCULAR ABNORMALITIES; CAKUT WITH OR WITHOUT OCULAR ABNORMALITIES. Identifiers: Orphanet 1475, MedGen C1852759, MONDO:0007352, OMIM 120330.

Allele frequency attached by ClinVar (database versions not stated): gnomAD exomes below 0.00001; ExAC 0.00001; gnomAD 0.00002 and 0.00003; TOPMed 0.00002.
gnomAD v4.1: 10 of 1,613,942 alleles (0.00062%); highest among the groups gnomAD compares: African/African-American, 0.0053%; no homozygotes.

Submissions (2):

Labcorp Genetics (formerly Invitae), Labcorp
Classification: Uncertain significance for Renal coloboma syndrome; Focal segmental glomerulosclerosis 7. Last evaluated: 2022-09-29. Review status: criteria provided, single submitter. Criteria: Invitae Variant Classification Sherloc (09022015). Collection method: clinical testing. Allele origin: germline.
Comment: This sequence change replaces glutamic acid, which is acidic and polar, with lysine, which is basic and polar, at codon 74 of the PAX2 protein (p.Glu74Lys). This variant is present in population databases (rs754146050, gnomAD 0.008%). This variant has not been reported in the literature in individuals affected with PAX2-related conditions. ClinVar contains an entry for this variant (Variation ID: 1469446). Experimental studies and prediction algorithms are not available or were not evaluated, and the functional significance of this variant is currently unknown. In summary, the available evidence is currently insufficient to determine the role of this variant in disease. Therefore, it has been classified as a Variant of Uncertain Significance.

Johns Hopkins Genomics, Johns Hopkins University
Classification: Uncertain significance for Renal coloboma syndrome. Last evaluated: 2022-05-16. Review status: criteria provided, single submitter. Criteria: ACMG Guidelines, 2015. Collection method: clinical testing. Allele origin: germline.
Comment: This PAX2 variant (rs754146050) is rare (<0.1%) in a large population dataset (gnomAD: 2/282616 total alleles; 0.0007%; no homozygotes). It has been reported in ClinVar (Variation ID 1469446), but has not been reported in the literature, to our knowledge. Three bioinformatic tools queried predict that this substitution would be damaging, and glutamic acid at this position is evolutionarily conserved across all species assessed. We consider the clinical significance of c.220G>A to be uncertain at this time.